The following is an entry in ClinVar:

ClinVar aggregate classification (germline): Conflicting classifications of pathogenicity. Review status: criteria provided, conflicting classifications (1 of 4 stars). 4 submissions from 4 submitters: Pathogenic (1); Likely pathogenic (1); Uncertain significance (1). 1 of the submissions does not count toward it. Last evaluated 2025-12-01.

Conditions:
POGLUT1-related disorder. Also called: POGLUT1-related condition.

Allele frequency attached by ClinVar (database versions not stated): TOPMed below 0.00001; gnomAD exomes 0.00001 and 0.00003; ExAC 0.00002.
gnomAD v4.1: 12 of 1,613,962 alleles (0.00074%); highest among the groups gnomAD compares: Admixed American, 0.0083%; no homozygotes.

Submissions (4):

Labcorp Genetics (formerly Invitae), Labcorp
Classification: Pathogenic. Last evaluated: 2025-12-01. Review status: criteria provided, single submitter. Criteria: Invitae Variant Classification Sherloc (09022015). Collection method: clinical testing. Allele origin: germline.
Comment: This sequence change creates a premature translational stop signal (p.Arg272*) in the POGLUT1 gene. It is expected to result in an absent or disrupted protein product. Loss-of-function variants in POGLUT1 are known to be pathogenic (PMID: 24387993). This variant is present in population databases (rs747897279, gnomAD 0.02%). This premature translational stop signal has been observed in individual(s) with clinical features of POGLUT1-related conditions (PMID: 29569780). ClinVar contains an entry for this variant (Variation ID: 1068745). Algorithms developed to predict the effect of sequence changes on RNA splicing suggest that this variant may disrupt the consensus splice site. For these reasons, this variant has been classified as Pathogenic.

Revvity Omics, Revvity
Classification: Likely pathogenic. Last evaluated: 2025-05-16. Review status: criteria provided, single submitter. Criteria: ACMG Guidelines, 2015. Collection method: clinical testing. Allele origin: germline.

GeneDx
Classification: Uncertain significance. Last evaluated: 2022-10-05. Review status: criteria provided, single submitter. Criteria: GeneDx Variant Classification Process June 2021. Collection method: clinical testing. Allele origin: germline. Affected: yes.
Comment: Reported heterozygous in two siblings with Dowling-Degos disease (Duchatelet et al., 2018); Nonsense variant predicted to result in protein truncation or nonsense mediated decay in a gene for which loss of function is a known mechanism of disease; This variant is associated with the following publications: (PMID: 24387993, 30653241, 30544224, 29569780)

PreventionGenetics, part of Exact Sciences
Classification: Likely pathogenic for POGLUT1-related condition. Last evaluated: 2024-07-30. Review status: no assertion criteria provided. Collection method: clinical testing. Allele origin: germline. Not counted in ClinVar's aggregate classification.
Comment: The POGLUT1 c.814C>T variant is predicted to result in premature protein termination (p.Arg272*). This variant was reported in heterozygous state in 2 sisters affected by Dowling-Degos disease (Duchatelet et al. 2018. PubMed ID: 29569780) and in an individual with Hidradenitis suppurativa (Li A et al 2019. PubMed ID: 30544224). This variant is reported in 0.017% of alleles in individuals of Latino descent in gnomAD. Nonsense variants in POGLUT1 are expected to be pathogenic (Basmanav et al. 2014. PubMed ID: 24387993). This variant is interpreted as likely pathogenic.

Literature cited by the submitters: PubMed 24387993 (cited by Labcorp Genetics (formerly Invitae), Labcorp); PubMed 29569780 (cited by Labcorp Genetics (formerly Invitae), Labcorp).

NM_152305.3(POGLUT1):c.814C>T (p.Arg272Ter)

Gene: POGLUT1 (protein O-glucosyltransferase 1; plus strand). Cytogenetic location: 3q13.33.
Variant type: single nucleotide variant.
Coding change: c.814C>T on transcript NM_152305.3 (MANE Select); coding-DNA position 814, C replaced by T.
Protein change: p.Arg272Ter; replaces arginine 272 with a stop codon.
Molecular consequence: nonsense. On other transcripts: non-coding transcript variant (1).
Genome position (GRCh38, 1-based): chr3:119,490,567, C>T. VCF-style: chr3-119490567-C-T. GRCh37 (hg19) VCF-style: chr3-119209414-C-T.
Other names: c.814C>T (NM_152305.2); short protein forms R272*.
Identifiers: ClinVar variation 1068745 (VCV001068745.10), dbSNP rs747897279, ClinGen allele CA2554992.